The following is an entry in ClinVar:

ClinVar aggregate classification (germline): Uncertain significance (1 of 4 stars; one submission).

Conditions:
Migraine, familial hemiplegic, 2. Identifiers: Orphanet 569, MedGen C1865322, MONDO:0011232, OMIM 602481.

Submission:

Centre for Mendelian Genomics, University Medical Centre Ljubljana
Classification: Uncertain significance for Migraine, familial hemiplegic, 2. Last evaluated: 2019-12-05. Review status: criteria provided, single submitter. Criteria: ACMG Guidelines, 2015. Collection method: clinical testing. Allele origin: unknown. Affected: yes.
Comment: This variant was classified as: Uncertain significance. The available evidence favors the pathogenic nature of this variant, however the currently available data is insufficient to conclusively support its pathogenic nature. Thus this variant is classified as Uncertain significance - favor pathogenic. The following ACMG criteria were applied in classifying this variant: PM2,PP1,PP3,PP4.

NM_000702.4(ATP1A2):c.2138G>T (p.Gly713Val)

Gene: ATP1A2 (ATPase Na+/K+ transporting subunit alpha 2; plus strand). Cytogenetic location: 1q23.2.
Variant type: single nucleotide variant.
Coding change: c.2138G>T on transcript NM_000702.4 (MANE Select); coding-DNA position 2138, G replaced by T.
Protein change: p.Gly713Val; replaces glycine 713 with valine.
Molecular consequence: missense variant.
Genome position (GRCh38, 1-based): chr1:160,135,456, G>T. VCF-style: chr1-160135456-G-T. GRCh37 (hg19) VCF-style: chr1-160105246-G-T.
Other names: short protein forms G713V.
Identifiers: ClinVar variation 931798 (VCV000931798.3), dbSNP rs1651907492, ClinGen allele CA343248917.
Genomic context (GRCh38, chr1:160,135,456, plus strand): 5'-AGGGGTTTCGTCCTCAAGTGTGGCCGTCTTCCCTCCAGGGAGCCATTGTGGCCGTGACGG[G>T]TGACGGGGTGAACGACTCCCCTGCATTGAAGAAGGCTGACATTGGCATTGCCATGGGCAT-3'
Protein context (NP_000693.1, residues 703-723): QRQGAIVAVT[Gly713Val]DGVNDSPALK